The following is an entry in ClinVar:

NM_198253.3(TERT):c.350C>T (p.Thr117Ile)

Gene: TERT (telomerase reverse transcriptase; minus strand). Cytogenetic location: 5p15.33.
Variant type: single nucleotide variant.
Coding change: c.350C>T on transcript NM_198253.3 (MANE Select); coding-DNA position 350, C replaced by T.
Protein change: p.Thr117Ile; replaces threonine 117 with isoleucine.
Molecular consequence: missense variant. On other transcripts: non-coding transcript variant (2).
Genome position (GRCh38, 1-based): chr5:1,294,536, G>A on the plus strand (C>T on the coding strand, the complement: TERT is on the minus strand). VCF-style: chr5-1294536-G-A. GRCh37 (hg19) VCF-style: chr5-1294651-G-A.
Other names: c.350C>T, p.Thr117Ile (NM_001193376.3, NM_003219.1); short protein forms T117I.
Identifiers: ClinVar variation 3238614 (VCV003238614.1), dbSNP rs2478429008.
Genomic context (GRCh38, chr5:1,294,536, plus strand): 5'-CACGCCCCGCTCCCCCGCAGTGCGTCGGTCACCGTGTTGGGCAGGTAGCTGCGCACGCTG[G>A]TGGTGAAGGCCTCGGGGGGGCCCCCGCGGGCCCCGTCCAGCAGCGCGAAGCCGAAGGCCA-3'
Protein context (NP_937983.2, residues 107-127): ARGGPPEAFT[Thr117Ile]SVRSYLPNTV

ClinVar aggregate classification (germline): Uncertain significance (1 of 4 stars; one submission).

Conditions:
Dyskeratosis congenita. Identifiers: Orphanet 1775, MedGen C0265965, MONDO:0015780.

Submission:

Ambry Genetics
Classification: Uncertain significance for Dyskeratosis congenita. Last evaluated: 2023-08-13. Review status: criteria provided, single submitter. Criteria: Ambry Variant Classification Scheme 2023. Collection method: clinical testing. Allele origin: germline.
Comment: The p.T117I variant (also known as c.350C>T), located in coding exon 2 of the TERT gene, results from a C to T substitution at nucleotide position 350. The threonine at codon 117 is replaced by isoleucine, an amino acid with similar properties. This amino acid position is conserved. In addition, the in silico prediction for this alteration is inconclusive. Since supporting evidence is limited at this time, the clinical significance of this alteration remains unclear.